The following is an entry in ClinVar:

ClinVar aggregate classification (germline): Uncertain significance. Review status: criteria provided, multiple submitters, no conflicts (2 of 4 stars). 2 submissions from 2 submitters: Uncertain significance (2). Last evaluated 2025-08-23.

Conditions:
Inborn genetic diseases. Identifiers: MedGen C0950123, MeSH D030342.

Allele frequency attached by ClinVar (database versions not stated): TOPMed 0.00005.
gnomAD v4.1: 12 of 1,613,976 alleles (0.00074%); highest among the groups gnomAD compares: African/African-American, 0.008%; no homozygotes.

Submissions (2):

Labcorp Genetics (formerly Invitae), Labcorp
Classification: Uncertain significance. Last evaluated: 2025-08-23. Review status: criteria provided, single submitter. Criteria: Invitae Variant Classification Sherloc (09022015). Collection method: clinical testing. Allele origin: germline.
Comment: This sequence change replaces alanine, which is neutral and non-polar, with glutamic acid, which is acidic and polar, at codon 1767 of the RP1 protein (p.Ala1767Glu). This variant is present in population databases (rs772615863, gnomAD 0.004%). This missense change has been observed in individual(s) with retinitis pigmentosa (internal data). ClinVar contains an entry for this variant (Variation ID: 941452). An algorithm developed to predict the effect of missense changes on protein structure and function outputs the following: PolyPhen-2: "Benign". The glutamic acid amino acid residue is found in multiple mammalian species, which suggests that this missense change does not adversely affect protein function. In summary, the available evidence is currently insufficient to determine the role of this variant in disease. Therefore, it has been classified as a Variant of Uncertain Significance.

Ambry Genetics
Classification: Uncertain significance for Inborn genetic diseases. Last evaluated: 2024-09-26. Review status: criteria provided, single submitter. Criteria: Ambry Variant Classification Scheme 2023. Collection method: clinical testing. Allele origin: germline.

NM_006269.2(RP1):c.5300C>A (p.Ala1767Glu)

Genes: RP1 (RP1 axonemal microtubule associated; plus strand), LOC126860392 (CDK7 strongly-dependent group 2 enhancer GRCh37_chr8:55541319-55542518; plus strand). Cytogenetic location: 8q12.1.
Variant type: single nucleotide variant.
Coding change: c.5300C>A on transcript NM_006269.2 (MANE Select); coding-DNA position 5300, C replaced by A.
Protein change: p.Ala1767Glu; replaces alanine 1767 with glutamic acid.
Molecular consequence: missense variant. On other transcripts: intron variant (1).
Genome position (GRCh38, 1-based): chr8:54,629,182, C>A. VCF-style: chr8-54629182-C-A. GRCh37 (hg19) VCF-style: chr8-55541742-C-A.
Other names: c.787+6894C>A (NM_001375654.1); short protein forms A1767E.
Identifiers: ClinVar variation 941452 (VCV000941452.11), dbSNP rs772615863, ClinGen allele CA4752036.